The following is an entry in ClinVar:

NM_005477.3(HCN4):c.1725G>C (p.Glu575Asp)

Gene: HCN4 (hyperpolarization activated cyclic nucleotide gated potassium channel 4; minus strand). Cytogenetic location: 15q24.1.
Variant type: single nucleotide variant.
Coding change: c.1725G>C on transcript NM_005477.3 (MANE Select); coding-DNA position 1725, G replaced by C.
Protein change: p.Glu575Asp; replaces glutamic acid 575 with aspartic acid.
Molecular consequence: missense variant.
Genome position (GRCh38, 1-based): chr15:73,325,310, C>G on the plus strand (G>C on the coding strand, the complement: HCN4 is on the minus strand). VCF-style: chr15-73325310-C-G. GRCh37 (hg19) VCF-style: chr15-73617651-C-G.
Other names: short protein forms E575D.
Identifiers: ClinVar variation 496652 (VCV000496652.2), dbSNP rs764493888, ClinGen allele CA7649218.

ClinVar aggregate classification (germline): Uncertain significance. Review status: criteria provided, multiple submitters, no conflicts (2 of 4 stars). 2 submissions from 2 submitters: Uncertain significance (2). Last evaluated 2016-10-01.

Conditions:
Brugada syndrome. Also called: Sudden unexpected nocturnal death syndrome; Sudden unexplained nocturnal death syndrome; Sudden Unexplained Death Syndrome; Sudden Unexplained Nocturnal Death Syndrome (SUNDS). Identifiers: Orphanet 130, MedGen C1142166, MONDO:0015263.

Submissions (2):

CSER _CC_NCGL, University of Washington
Classification: Uncertain significance for Brugada syndrome. Last evaluated: 2016-10-01. Review status: criteria provided, single submitter. Criteria: Amendola et al. (Genome Res. 2015). Collection method: research. Allele origin: germline. Affected: no. Study: CSER - NEXT Medicine variant annotation.
Comment: This interpretation considers GERP score and allele frequency data, in addition to published reports of the variant in the literature, available at the time of review.

Breakthrough Genomics
Classification: Uncertain significance. Review status: criteria provided, single submitter. Criteria: ACMG Guidelines, 2015. Collection method: not provided. Allele origin: germline. Inheritance: Autosomal dominant inheritance. Affected: yes.